The following is an entry in ClinVar:

NM_005477.3(HCN4):c.3413dup (p.Gly1139fs)

Gene: HCN4 (hyperpolarization activated cyclic nucleotide gated potassium channel 4; minus strand). Cytogenetic location: 15q24.1.
Variant type: Duplication.
Coding change: c.3413dup on transcript NM_005477.3 (MANE Select); coding-DNA position 3413, one base duplicated (C; older notation c.3413dupC).
Protein change: p.Gly1139fs; shifts the reading frame from glycine 1139.
Molecular consequence: frameshift variant.
Genome position (GRCh38, 1-based): chr15:73,322,680, G duplicated on the plus strand (C on the coding strand, the reverse complement: HCN4 is on the minus strand); the first of 5 consecutive G bases (chr15:73,322,680-73,322,684); duplicating any one gives the same sequence. VCF-style (leftmost placement, unchanged base first): chr15-73322679-A-AG. GRCh37 (hg19) VCF-style: chr15-73615020-A-AG.
Other names: short protein forms G1139fs.
Identifiers: ClinVar variation 2013895 (VCV002013895.4), dbSNP rs2549067880, ClinGen allele CA2580089969.
Genomic context (GRCh38, chr15:73,322,679, plus strand): 5'-TGAGGATGTCTTCCGAGGCAGAGTGACGTGCTGGCCGGGGATGGCACCATAGGGCCTCCC[A>AG]GGGGGACCGAGGCCCCCGCTGCTCCCACTGCCCCCGCTGCCACCCCCAGCCCTGGGGAAG-3'

ClinVar aggregate classification (germline): Uncertain significance (1 of 4 stars; one submission).

Conditions:
Brugada syndrome 8 (BRGDA8). Identifiers: Orphanet 130, MedGen C2751083, MONDO:0013148, OMIM 613123.

Submission:

Labcorp Genetics (formerly Invitae), Labcorp
Classification: Uncertain significance for Brugada syndrome 8. Last evaluated: 2022-08-21. Review status: criteria provided, single submitter. Criteria: Invitae Variant Classification Sherloc (09022015). Collection method: clinical testing. Allele origin: germline.
Comment: In summary, the available evidence is currently insufficient to determine the role of this variant in disease. Therefore, it has been classified as a Variant of Uncertain Significance. Experimental studies and prediction algorithms are not available or were not evaluated, and the functional significance of this variant is currently unknown. This variant has not been reported in the literature in individuals affected with HCN4-related conditions. This variant is not present in population databases (gnomAD no frequency). This sequence change creates a premature translational stop signal (p.Gly1139Trpfs*55) in the HCN4 gene. While this is not anticipated to result in nonsense mediated decay, it is expected to disrupt the last 65 amino acid(s) of the HCN4 protein.